The following is an entry in ClinVar:

NM_000090.4(COL3A1):c.4328A>C (p.Asp1443Ala)

Gene: COL3A1 (collagen type III alpha 1 chain; plus strand). Cytogenetic location: 2q32.2.
Variant type: single nucleotide variant.
Coding change: c.4328A>C on transcript NM_000090.4 (MANE Select); coding-DNA position 4328, A replaced by C.
Protein change: p.Asp1443Ala; replaces aspartic acid 1443 with alanine.
Molecular consequence: missense variant.
Genome position (GRCh38, 1-based): chr2:189,011,701, A>C. VCF-style: chr2-189011701-A-C. GRCh37 (hg19) VCF-style: chr2-189876427-A-C.
Other names: short protein forms D1443A.
Identifiers: ClinVar variation 4843319 (VCV004843319.1).

ClinVar aggregate classification (germline): Uncertain significance (1 of 4 stars; one submission).

Conditions:
Familial thoracic aortic aneurysm and aortic dissection (TAAD). Also called: Thoracic aortic aneurysms and dissections. Identifiers: Orphanet 91387, MedGen C4707243, MONDO:0019625.

Submission:

Ambry Genetics
Classification: Uncertain significance for Familial thoracic aortic aneurysm and aortic dissection. Last evaluated: 2025-12-19. Review status: criteria provided, single submitter. Criteria: Ambry Variant Classification Scheme 2023. Collection method: clinical testing. Allele origin: germline.
Comment: The p.D1443A variant (also known as c.4328A>C), located in coding exon 51 of the COL3A1 gene, results from an A to C substitution at nucleotide position 4328. The aspartic acid at codon 1443 is replaced by alanine, an amino acid with dissimilar properties. This amino acid position is conserved. In addition, this alteration is predicted to be deleterious by in silico analysis. Based on the available evidence, the clinical significance of this variant remains unclear.